The following is an entry in ClinVar:

ClinVar aggregate classification (germline): Uncertain significance. Review status: criteria provided, multiple submitters, no conflicts (2 of 4 stars). 2 submissions from 2 submitters: Uncertain significance (2). Last evaluated 2024-10-26.

Conditions:
Inborn genetic diseases. Identifiers: MedGen C0950123, MeSH D030342.

gnomAD v4.1: 14 of 1,614,260 alleles (0.00087%); highest among the groups gnomAD compares: Non-Finnish European, 0.0012%; no homozygotes.

Submissions (2):

Ambry Genetics
Classification: Uncertain significance for Inborn genetic diseases. Last evaluated: 2024-10-26. Review status: criteria provided, single submitter. Criteria: Ambry Variant Classification Scheme 2023. Collection method: clinical testing. Allele origin: germline.

Labcorp Genetics (formerly Invitae), Labcorp
Classification: Uncertain significance. Last evaluated: 2021-08-08. Review status: criteria provided, single submitter. Criteria: Invitae Variant Classification Sherloc (09022015). Collection method: clinical testing. Allele origin: germline.
Comment: In summary, the available evidence is currently insufficient to determine the role of this variant in disease. Therefore, it has been classified as a Variant of Uncertain Significance. Algorithms developed to predict the effect of missense changes on protein structure and function (SIFT, PolyPhen-2, Align-GVGD) all suggest that this variant is likely to be tolerated. This variant has not been reported in the literature in individuals affected with TRPM1-related conditions. This variant is not present in population databases (ExAC no frequency). This sequence change replaces lysine with threonine at codon 1436 of the TRPM1 protein (p.Lys1436Thr). The lysine residue is highly conserved and there is a moderate physicochemical difference between lysine and threonine.

NM_001252024.2(TRPM1):c.4373A>C (p.Lys1458Thr)

Gene: TRPM1 (transient receptor potential cation channel subfamily M member 1; minus strand). Cytogenetic location: 15q13.3.
Variant type: single nucleotide variant.
Coding change: c.4373A>C on transcript NM_001252024.2 (MANE Select); coding-DNA position 4373, A replaced by C.
Protein change: p.Lys1458Thr; replaces lysine 1458 with threonine.
Molecular consequence: missense variant.
Genome position (GRCh38, 1-based): chr15:31,002,327, T>G on the plus strand (A>C on the coding strand, the complement: TRPM1 is on the minus strand). VCF-style: chr15-31002327-T-G. GRCh37 (hg19) VCF-style: chr15-31294530-T-G.
Other names: c.4424A>C, p.Lys1475Thr (NM_001252020.2); c.4307A>C, p.Lys1436Thr (NM_002420.6); c.4307A>C (NM_002420.4); short protein forms K1475T, K1436T, K1458T.
Identifiers: ClinVar variation 1471477 (VCV001471477.7), dbSNP rs2141099301, ClinGen allele CA391524983.